The following is an entry in ClinVar:

ClinVar aggregate classification (germline): Conflicting classifications of pathogenicity. Review status: criteria provided, conflicting classifications (1 of 4 stars). 5 submissions from 5 submitters: Uncertain significance (1); Likely benign (4). Last evaluated 2026-02-04.

Conditions:
Cardiovascular phenotype. Identifiers: MedGen CN230736.
Cardiomyopathy (CMYO). Also called: Cardiomyopathies. Identifiers: Orphanet 167848, MedGen C0878544, MONDO:0004994, HP:0001638. Inheritance: Various modes of inheritance.
LMNA-related disorder. Also called: LMNA-related condition; LMNA-related disease; LMNA-related disorders. Identifiers: MedGen CN380145.
Charcot-Marie-Tooth disease type 2. Also called: Charcot-Marie-Tooth type 2. Identifiers: Orphanet 64746, MedGen C0270914, MONDO:0018993.

Allele frequency attached by ClinVar (database versions not stated): ExAC 0.00001; gnomAD exomes 0.00002; TOPMed 0.00003; gnomAD 0.00007; ESP Exome Variant Server 0.00008.
gnomAD v4.1: 20 of 1,612,816 alleles (0.0012%); highest among the groups gnomAD compares: Middle Eastern, 0.016%; no homozygotes.

Submissions (5):

PreventionGenetics, part of Exact Sciences
Classification: Likely benign for LMNA-related condition. Last evaluated: 2026-02-04. Review status: criteria provided, single submitter. Criteria: ACMG Guidelines, 2015. Collection method: clinical testing. Allele origin: germline.
Comment: This variant is classified as likely benign based on ACMG/AMP sequence variant interpretation guidelines (Richards et al. 2015 PMID: 25741868, with internal and published modifications).

Labcorp Genetics (formerly Invitae), Labcorp
Classification: Likely benign for Charcot-Marie-Tooth disease type 2. Last evaluated: 2025-12-17. Review status: criteria provided, single submitter. Criteria: Invitae Variant Classification Sherloc (09022015). Collection method: clinical testing. Allele origin: germline.

Color Diagnostics, LLC DBA Color Health
Classification: Likely benign for Cardiomyopathy. Last evaluated: 2022-11-06. Review status: criteria provided, single submitter. Criteria: ACMG Guidelines, 2015. Collection method: clinical testing. Allele origin: germline.

Ambry Genetics
Classification: Likely benign for Cardiovascular phenotype. Last evaluated: 2020-07-12. Review status: criteria provided, single submitter. Criteria: Ambry Variant Classification Scheme 2023. Collection method: clinical testing. Allele origin: germline.

Eurofins Ntd Llc (ga)
Classification: Uncertain significance. Last evaluated: 2018-08-31. Review status: criteria provided, single submitter. Criteria: EGL ClinVar v180209 classification definitions. Collection method: clinical testing. Allele origin: germline. Observed: 1 variant allele, 1 heterozygote.

NM_170707.4(LMNA):c.1530C>T (p.Thr510=)

Gene: LMNA (lamin A/C; plus strand). Cytogenetic location: 1q22.
Variant type: single nucleotide variant.
Coding change: c.1530C>T on transcript NM_170707.4 (MANE Select); coding-DNA position 1530, C replaced by T.
Protein change: p.Thr510=; no amino-acid change (threonine 510 retained).
Molecular consequence: synonymous variant.
Genome position (GRCh38, 1-based): chr1:156,137,154, C>T. VCF-style: chr1-156137154-C-T. GRCh37 (hg19) VCF-style: chr1-156106945-C-T.
Other names: c.1194C>T, p.Thr398= (NM_001257374.3); c.1287C>T, p.Thr429= (NM_001282624.2); c.1530C>T, p.Thr510= (NM_001282625.2, NM_001282626.2, NM_005572.4 and 1 more transcripts).
Identifiers: ClinVar variation 598577 (VCV000598577.20), dbSNP rs138098342, ClinGen allele CA050588.
Genomic context (GRCh38, chr1:156,137,154, plus strand): 5'-GTCCTTTTCTCCTCTCCAGATCTGGGCTGCAGGAGCTGGGGCCACCCACAGCCCCCCTAC[C>T]GACCTGGTGTGGAAGGCACAGAACACCTGGGGCTGCGGGAACAGCCTGCGTACGGCTCTC-3'
Protein context (NP_733821.1, residues 500-520): AGAGATHSPP[Thr510=]DLVWKAQNTW